The following is an entry in ClinVar:

NM_133267.3(GSX2):c.34A>G (p.Ile12Val)

Gene: GSX2 (GS homeobox 2; plus strand). Cytogenetic location: 4q12.
Variant type: single nucleotide variant.
Coding change: c.34A>G on transcript NM_133267.3 (MANE Select); coding-DNA position 34, A replaced by G.
Protein change: p.Ile12Val; replaces isoleucine 12 with valine.
Molecular consequence: missense variant.
Genome position (GRCh38, 1-based): chr4:54,100,378, A>G. VCF-style: chr4-54100378-A-G. GRCh37 (hg19) VCF-style: chr4-54966545-A-G.
Other names: short protein forms I12V.
Identifiers: ClinVar variation 2654757 (VCV002654757.24), dbSNP rs145597698, ClinGen allele CA2922008.
Genomic context (GRCh38, chr4:54,100,378, plus strand): 5'-GGCTTCCAGCCACCCACCCCTCTCGACATGTCGCGCTCCTTCTATGTCGACTCGCTCATC[A>G]TCAAGGACACCTCACGGCCTGCGCCCTCGCTGCCTGAACCGCACCCCGGGCCGGATTTCT-3'
Protein context (NP_573574.2, residues 2-22): SRSFYVDSLI[Ile12Val]KDTSRPAPSL

ClinVar aggregate classification (germline): Likely benign (1 of 4 stars; one submission).

Allele frequency attached by ClinVar (database versions not stated): gnomAD exomes 0.00039; ExAC 0.00090; gnomAD 0.00257; ESP Exome Variant Server 0.00277; 1000 Genomes Project 0.00280; TOPMed 0.00288; 1000 Genomes Project 30x 0.00297.
gnomAD v4.1: 977 of 1,613,900 alleles (0.061%); highest among the groups gnomAD compares: African/African-American, 0.81%; 4 homozygotes.

Submission:

CeGaT Center for Human Genetics Tuebingen
Classification: Likely benign. Last evaluated: 2023-05-01. Review status: criteria provided, single submitter. Criteria: CeGaT Center For Human Genetics Tuebingen Variant Classification Criteria Version 2. Collection method: clinical testing. Allele origin: germline. Affected: yes. Observed: 1 variant allele.
Comment: GSX2: BS2